The following is an entry in ClinVar:

NM_001267550.2(TTN):c.93014A>T (p.Lys31005Met)

Genes: TTN (titin; minus strand), TTN-AS1 (TTN antisense RNA 1; plus strand). Cytogenetic location: 2q31.2.
Variant type: single nucleotide variant.
Coding change: c.93014A>T on transcript NM_001267550.2 (MANE Select); coding-DNA position 93014, A replaced by T.
Protein change: p.Lys31005Met; replaces lysine 31005 with methionine.
Molecular consequence: missense variant.
Genome position (GRCh38, 1-based): chr2:178,548,612, T>A on the plus strand (A>T on the coding strand, the complement: TTN is on the minus strand). VCF-style: chr2-178548612-T-A. GRCh37 (hg19) VCF-style: chr2-179413339-T-A.
Other names: c.88091A>T, p.Lys29364Met (NM_001256850.1); c.65819A>T, p.Lys21940Met (NM_003319.4); c.85310A>T, p.Lys28437Met (NM_133378.4); c.66194A>T, p.Lys22065Met (NM_133432.3); c.66395A>T, p.Lys22132Met (NM_133437.4); short protein forms K31005M, K29364M, K28437M, K21940M, K22065M, K22132M.
Identifiers: ClinVar variation 3781184 (VCV003781184.1).
Genomic context (GRCh38, chr2:178,548,612, plus strand): 5'-AAGGTAATTGGGCCAGGTGGGCCTGGAGTGTCTAGCACTTTCACGGTGAATGTGATTGAC[T>A]TACTACCACTGTTGTTTTCCACAGTAAGGGTATATTTCCCTGCATCATTTCTGTTGCAGT-3'
Protein context (NP_001254479.2, residues 30995-31015): TLTVENNSGS[Lys31005Met]SITFTVKVLD

ClinVar aggregate classification (germline): Uncertain significance (1 of 4 stars; one submission).

Submission:

GeneDx
Classification: Uncertain significance. Last evaluated: 2024-10-16. Review status: criteria provided, single submitter. Criteria: GeneDx Variant Classification Process June 2021. Collection method: clinical testing. Allele origin: germline. Affected: yes.
Comment: Not observed at significant frequency in large population cohorts (gnomAD); Missense variant in a gene in which most reported pathogenic variants are truncating/loss of function; Has not been previously published as pathogenic or benign to our knowledge